The following is an entry in ClinVar:

NM_001148.6(ANK2):c.8482G>T (p.Asp2828Tyr)

Gene: ANK2 (ankyrin 2; plus strand). Cytogenetic location: 4q26.
Variant type: single nucleotide variant.
Coding change: c.8482G>T on transcript NM_001148.6 (MANE Select); coding-DNA position 8482, G replaced by T.
Protein change: p.Asp2828Tyr; replaces aspartic acid 2828 with tyrosine.
Molecular consequence: missense variant. On other transcripts: intron variant (68).
Genome position (GRCh38, 1-based): chr4:113,357,100, G>T. VCF-style: chr4-113357100-G-T. GRCh37 (hg19) VCF-style: chr4-114278256-G-T.
Other names: c.8248G>T, p.Asp2750Tyr (NM_001386142.1); c.4882G>T, p.Asp1628Tyr (NM_001386166.1); c.8623G>T, p.Asp2875Tyr (NM_001386174.1); c.8599G>T, p.Asp2867Tyr (NM_001386175.1); c.4412-3723G>T (NM_001386186.2, NM_001386148.2); c.4214-3723G>T (NM_001354269.3); c.4292-3723G>T (NM_001386187.2); c.4253-3723G>T (NM_001386147.1); and 35 more; short protein forms D1628Y, D2750Y, D2828Y, D2867Y, D2875Y.
Identifiers: ClinVar variation 3221015 (VCV003221015.1), dbSNP rs2505858861, ClinGen allele CA357934152.

ClinVar aggregate classification (germline): Uncertain significance (1 of 4 stars; one submission).

Conditions:
Cardiovascular phenotype. Identifiers: MedGen CN230736.

Submission:

Ambry Genetics
Classification: Uncertain significance for Cardiovascular phenotype. Last evaluated: 2024-03-04. Review status: criteria provided, single submitter. Criteria: Ambry Variant Classification Scheme 2023. Collection method: clinical testing. Allele origin: germline.
Comment: The p.D2828Y variant (also known as c.8482G>T), located in coding exon 38 of the ANK2 gene, results from a G to T substitution at nucleotide position 8482. The aspartic acid at codon 2828 is replaced by tyrosine, an amino acid with highly dissimilar properties. This amino acid position is conserved. In addition, this alteration is predicted to be tolerated by in silico analysis. Based on the available evidence, the clinical significance of this alteration remains unclear.